The following is an entry in ClinVar:

NM_006486.3(FBLN1):c.62C>T (p.Ala21Val)

Gene: FBLN1 (fibulin 1; plus strand). Cytogenetic location: 22q13.31.
Variant type: single nucleotide variant.
Coding change: c.62C>T on transcript NM_006486.3 (MANE Select); coding-DNA position 62, C replaced by T.
Protein change: p.Ala21Val; replaces alanine 21 with valine.
Molecular consequence: missense variant.
Genome position (GRCh38, 1-based): chr22:45,503,047, C>T. VCF-style: chr22-45503047-C-T. GRCh37 (hg19) VCF-style: chr22-45898927-C-T.
Other names: c.62C>T (NM_006486.2); c.62C>T, p.Ala21Val (NM_001996.4, NM_006485.4, NM_006487.3); short protein forms A21V.
Identifiers: ClinVar variation 1522584 (VCV001522584.8), dbSNP rs573558018, ClinGen allele CA10286391.

ClinVar aggregate classification (germline): Uncertain significance. Review status: criteria provided, multiple submitters, no conflicts (2 of 4 stars). 2 submissions from 2 submitters: Uncertain significance (2). Last evaluated 2025-10-24.

Allele frequency attached by ClinVar (database versions not stated): gnomAD exomes 0.00020 and 0.00044; gnomAD 0.00219 and 0.00231; 1000 Genomes Project 30x 0.00359; 1000 Genomes Project 0.00399.
gnomAD v4.1: 581 of 1,249,902 alleles (0.046%); highest among the groups gnomAD compares: African/African-American, 0.78%; 3 homozygotes.

Submissions (2):

Ambry Genetics
Classification: Uncertain significance. Last evaluated: 2025-10-24. Review status: criteria provided, single submitter. Criteria: Ambry Variant Classification Scheme 2023. Collection method: clinical testing. Allele origin: germline.

Labcorp Genetics (formerly Invitae), Labcorp
Classification: Uncertain significance. Last evaluated: 2025-09-24. Review status: criteria provided, single submitter. Criteria: Invitae Variant Classification Sherloc (09022015). Collection method: clinical testing. Allele origin: germline.
Comment: This sequence change replaces alanine, which is neutral and non-polar, with valine, which is neutral and non-polar, at codon 21 of the FBLN1 protein (p.Ala21Val). The frequency data for this variant in the population databases is considered unreliable, as metrics indicate poor data quality at this position in the gnomAD database. This variant has not been reported in the literature in individuals affected with FBLN1-related conditions. ClinVar contains an entry for this variant (Variation ID: 1522584). Experimental studies and prediction algorithms are not available or were not evaluated, and the functional significance of this variant is currently unknown. In summary, the available evidence is currently insufficient to determine the role of this variant in disease. Therefore, it has been classified as a Variant of Uncertain Significance.